The following is an entry in ClinVar:

ClinVar aggregate classification (germline): Benign (1 of 4 stars; one submission).

Allele frequency attached by ClinVar (database versions not stated): 1000 Genomes Project 0.14377; 1000 Genomes Project 30x 0.14772; gnomAD 0.15561 and 0.16052; TOPMed 0.16516.
gnomAD v4.1: 23,610 of 152,154 alleles (16%); highest among the groups gnomAD compares: African/African-American, 31%; 2,564 homozygotes.

Submission:

GeneDx
Classification: Benign. Last evaluated: 2018-06-14. Review status: criteria provided, single submitter. Criteria: GeneDx Variant Classification (06012015). Collection method: clinical testing. Allele origin: germline. Affected: yes.
Comment: This variant is considered likely benign or benign based on one or more of the following criteria: it is a conservative change, it occurs at a poorly conserved position in the protein, it is predicted to be benign by multiple in silico algorithms, and/or has population frequency not consistent with disease.

NM_000282.4(PCCA):c.300+300T>C

Gene: PCCA (propionyl-CoA carboxylase subunit alpha; plus strand). Cytogenetic location: 13q32.3.
Variant type: single nucleotide variant.
Coding change: c.300+300T>C on transcript NM_000282.4 (MANE Select); 300 bases into the intron after coding-DNA position 300, T replaced by C.
Molecular consequence: intron variant.
Genome position (GRCh38, 1-based): chr13:100,112,361, T>C. VCF-style: chr13-100112361-T-C. GRCh37 (hg19) VCF-style: chr13-100764615-T-C.
Other names: c.300+300T>C (NM_001178004.2, NM_001352605.2, NM_001352606.2 and 1 more transcripts); c.-567+300T>C (NM_001352610.2, NM_001352611.2, NM_001352612.2); c.222+300T>C (NM_001127692.3, NM_001352607.2, NM_001352608.2).
Identifiers: ClinVar variation 669528 (VCV000669528.1), dbSNP rs73570922, ClinGen allele CA255965924.